The following is an entry in ClinVar:

NM_000097.7(CPOX):c.727G>T (p.Val243Leu)

Gene: CPOX (coproporphyrinogen oxidase; minus strand). Cytogenetic location: 3q11.2.
Variant type: single nucleotide variant.
Coding change: c.727G>T on transcript NM_000097.7 (MANE Select); coding-DNA position 727, G replaced by T.
Protein change: p.Val243Leu; replaces valine 243 with leucine.
Molecular consequence: missense variant.
Genome position (GRCh38, 1-based): chr3:98,590,716, C>A on the plus strand (G>T on the coding strand, the complement: CPOX is on the minus strand). VCF-style: chr3-98590716-C-A. GRCh37 (hg19) VCF-style: chr3-98309560-C-A.
Other names: short protein forms V243L.
Identifiers: ClinVar variation 4692172 (VCV004692172.1).

ClinVar aggregate classification (germline): Uncertain significance (1 of 4 stars; one submission).

Submission:

Labcorp Genetics (formerly Invitae), Labcorp
Classification: Uncertain significance. Last evaluated: 2025-05-22. Review status: criteria provided, single submitter. Criteria: Invitae Variant Classification Sherloc (09022015). Collection method: clinical testing. Allele origin: germline.
Comment: This sequence change replaces valine, which is neutral and non-polar, with leucine, which is neutral and non-polar, at codon 243 of the CPOX protein (p.Val243Leu). This variant is not present in population databases (gnomAD no frequency). This variant has not been reported in the literature in individuals affected with CPOX-related conditions. Invitae Evidence Modeling of protein sequence and biophysical properties (such as structural, functional, and spatial information, amino acid conservation, physicochemical variation, residue mobility, and thermodynamic stability) indicates that this missense variant is not expected to disrupt CPOX protein function with a negative predictive value of 80%. In summary, the available evidence is currently insufficient to determine the role of this variant in disease. Therefore, it has been classified as a Variant of Uncertain Significance.